The following is an entry in ClinVar:

NM_001378778.1(MPDZ):c.3732C>A (p.Asn1244Lys)

Gene: MPDZ (multiple PDZ domain crumbs cell polarity complex component; minus strand). Cytogenetic location: 9p23.
Variant type: single nucleotide variant.
Coding change: c.3732C>A on transcript NM_001378778.1 (MANE Select); coding-DNA position 3732, C replaced by A.
Protein change: p.Asn1244Lys; replaces asparagine 1244 with lysine.
Molecular consequence: missense variant. On other transcripts: intron variant (8).
Genome position (GRCh38, 1-based): chr9:13,147,557, G>T on the plus strand (C>A on the coding strand, the complement: MPDZ is on the minus strand). VCF-style: chr9-13147557-G-T. GRCh37 (hg19) VCF-style: chr9-13147556-G-T.
Other names: c.3732C>A, p.Asn1244Lys (NM_001261406.2, NM_001261407.2, NM_001330637.2 and 6 more transcripts); c.3630+2954C>A (NM_001375425.1, NM_001375420.1, NM_001375423.1 and 4 more transcripts); c.3432+2954C>A (NM_001375427.1); short protein forms N1244K.
Identifiers: ClinVar variation 1367561 (VCV001367561.8), dbSNP rs375945342, ClinGen allele CA189307320.
Genomic context (GRCh38, chr9:13,147,557, plus strand): 5'-CAAGTTGAACACTGTTTGGATATGCCTACCTTGCCCTTTGTGTTCGCTTACCCTTGGTCT[G>T]TTTATAATGCTCTGTACCATAAAGACTACAGGGTTGCCTGCTTTCCGAATGGCTTCCACA-3'
Protein context (NP_001365707.1, residues 1234-1254): PVVFMVQSII[Asn1244Lys]RPRKSPLPSL

ClinVar aggregate classification (germline): Uncertain significance (1 of 4 stars; one submission).

Allele frequency attached by ClinVar (database versions not stated): gnomAD 0.00001; ESP Exome Variant Server 0.00008.
gnomAD v4.1: 5 of 1,611,312 alleles (0.00031%); highest among the groups gnomAD compares: Middle Eastern, 0.016%; no homozygotes.

Submission:

Labcorp Genetics (formerly Invitae), Labcorp
Classification: Uncertain significance. Last evaluated: 2021-05-11. Review status: criteria provided, single submitter. Criteria: Invitae Variant Classification Sherloc (09022015). Collection method: clinical testing. Allele origin: germline.
Comment: This variant is not present in population databases (ExAC no frequency). This sequence change replaces asparagine with lysine at codon 1244 of the MPDZ protein (p.Asn1244Lys). The asparagine residue is highly conserved and there is a moderate physicochemical difference between asparagine and lysine. This variant has not been reported in the literature in individuals with MPDZ-related conditions. Algorithms developed to predict the effect of missense changes on protein structure and function are either unavailable or do not agree on the potential impact of this missense change (SIFT: "Deleterious"; PolyPhen-2: "Benign"; Align-GVGD: "Class C65"). In summary, the available evidence is currently insufficient to determine the role of this variant in disease. Therefore, it has been classified as a Variant of Uncertain Significance.